The following is an entry in ClinVar:

ClinVar aggregate classification (germline): Likely benign. Review status: criteria provided, multiple submitters, no conflicts (2 of 4 stars). 2 submissions from 2 submitters: Likely benign (2). Last evaluated 2026-05-27.

Conditions:
Gastrointestinal stromal tumor. Also called: Gastrointestinal stroma tumor; Gastrointestinal stromal tumor, somatic. Identifiers: Orphanet 44890, MedGen C0238198, MeSH D046152, MONDO:0011719, OMIM 606764, HP:0100723.

Allele frequency attached by ClinVar (database versions not stated): TOPMed 0.00001; gnomAD exomes 0.00002.
gnomAD v4.1: 32 of 1,564,526 alleles (0.002%); highest among the groups gnomAD compares: Non-Finnish European, 0.0026%; no homozygotes.

Submissions (2):

Myriad Genetics, Inc.
Classification: Likely benign for Gastrointestinal stromal tumor. Last evaluated: 2026-05-27. Review status: criteria provided, single submitter. Criteria: Myriad Autosomal Dominant, Autosomal Recessive and X-Linked Classification Criteria (2023). Collection method: clinical testing. Allele origin: unknown.
Comment: This variant is considered likely benign. This variant is intronic and is not expected to impact mRNA splicing.

Labcorp Genetics (formerly Invitae), Labcorp
Classification: Likely benign for Gastrointestinal stromal tumor. Last evaluated: 2026-01-05. Review status: criteria provided, single submitter. Criteria: Invitae Variant Classification Sherloc (09022015). Collection method: clinical testing. Allele origin: germline.

NM_000222.3(KIT):c.1116-9T>C

Gene: KIT (KIT proto-oncogene, receptor tyrosine kinase; plus strand). Cytogenetic location: 4q12.
Variant type: single nucleotide variant.
Coding change: c.1116-9T>C on transcript NM_000222.3 (MANE Select); 9 bases into the intron before coding-DNA position 1116, T replaced by C.
Molecular consequence: intron variant.
Genome position (GRCh38, 1-based): chr4:54,709,415, T>C. VCF-style: chr4-54709415-T-C. GRCh37 (hg19) VCF-style: chr4-55575581-T-C.
Other names: c.1119-9T>C (NM_001385284.1, NM_001385290.1, NM_001385288.1 and 1 more transcripts); c.1116-9T>C (NM_001385285.1, NM_001093772.2, NM_001385286.1).
Identifiers: ClinVar variation 458853 (VCV000458853.13), dbSNP rs1553889072, ClinGen allele CA658655850.